The following is an entry in ClinVar:

ClinVar aggregate classification (germline): Uncertain significance (1 of 4 stars; one submission).

gnomAD v4.1: 74 of 1,613,680 alleles (0.0046%); highest among the groups gnomAD compares: Admixed American, 0.01%; no homozygotes.

Submission:

Labcorp Genetics (formerly Invitae), Labcorp
Classification: Uncertain significance. Last evaluated: 2024-04-10. Review status: criteria provided, single submitter. Criteria: Invitae Variant Classification Sherloc (09022015). Collection method: clinical testing. Allele origin: germline.
Comment: This sequence change replaces glutamic acid, which is acidic and polar, with lysine, which is basic and polar, at codon 457 of the TRAP1 protein (p.Glu457Lys). This variant is present in population databases (rs146643872, gnomAD 0.02%). This variant has not been reported in the literature in individuals affected with TRAP1-related conditions. An algorithm developed to predict the effect of missense changes on protein structure and function (PolyPhen-2) suggests that this variant is likely to be disruptive. In summary, the available evidence is currently insufficient to determine the role of this variant in disease. Therefore, it has been classified as a Variant of Uncertain Significance.

NM_016292.3(TRAP1):c.1369G>A (p.Glu457Lys)

Gene: TRAP1 (TNF receptor associated protein 1; minus strand). Cytogenetic location: 16p13.3.
Variant type: single nucleotide variant.
Coding change: c.1369G>A on transcript NM_016292.3 (MANE Select); coding-DNA position 1369, G replaced by A.
Protein change: p.Glu457Lys; replaces glutamic acid 457 with lysine.
Molecular consequence: missense variant.
Genome position (GRCh38, 1-based): chr16:3,665,985, C>T on the plus strand (G>A on the coding strand, the complement: TRAP1 is on the minus strand). VCF-style: chr16-3665985-C-T. GRCh37 (hg19) VCF-style: chr16-3715986-C-T.
Other names: c.1210G>A, p.Glu404Lys (NM_001272049.2); short protein forms E404K, E457K.
Identifiers: ClinVar variation 3605659 (VCV003605659.2).